The following is an entry in ClinVar:

NM_015915.5(ATL1):c.346_347delinsAT (p.Ser116Ile)

Gene: ATL1 (atlastin GTPase 1; plus strand). Cytogenetic location: 14q22.1.
Variant type: Indel.
Coding change: c.346_347delinsAT on transcript NM_015915.5 (MANE Select); coding-DNA positions 346 to 347, TC replaced by AT.
Protein change: p.Ser116Ile; replaces serine 116 with isoleucine.
Molecular consequence: missense variant.
Genome position (GRCh38, 1-based): chr14:50,591,004-50,591,005, TC replaced by AT. VCF-style: chr14-50591004-TC-AT. GRCh37 (hg19) VCF-style: chr14-51057722-TC-AT.
Other names: c.346_347delinsAT, p.Ser116Ile (NM_001127713.1, NM_181598.4); c.346_347delTCinsAT, p.Ser116Ile (NM_015915.4); short protein forms S116I.
Identifiers: ClinVar variation 5000348 (VCV005000348.1).

ClinVar aggregate classification (germline): Uncertain significance (1 of 4 stars; one submission).

Conditions:
ATL1-related disorder. Also called: ATL1-related condition.

Submission:

PreventionGenetics, part of Exact Sciences
Classification: Uncertain significance for ATL1-related condition. Last evaluated: 2025-06-04. Review status: criteria provided, single submitter. Criteria: ACMG Guidelines, 2015. Collection method: clinical testing. Allele origin: germline.
Comment: The ATL1 c.346_347delinsAT variant is predicted to result in an in-frame deletion and insertion. To our knowledge, this variant has not been reported in the literature or in a large population database (gnomAD), indicating this variant is rare. At this time, the clinical significance of this variant is uncertain due to the absence of conclusive functional and genetic evidence.